The following is an entry in ClinVar:

NM_000719.7(CACNA1C):c.4369A>G (p.Ile1457Val)

Gene: CACNA1C (calcium voltage-gated channel subunit alpha1 C; plus strand). Cytogenetic location: 12p13.33.
Variant type: single nucleotide variant.
Coding change: c.4369A>G on transcript NM_000719.7 (MANE Select); coding-DNA position 4369, A replaced by G.
Protein change: p.Ile1457Val; replaces isoleucine 1457 with valine.
Molecular consequence: missense variant.
Genome position (GRCh38, 1-based): chr12:2,664,961, A>G. VCF-style: chr12-2664961-A-G. GRCh37 (hg19) VCF-style: chr12-2774127-A-G.
Other names: c.4513A>G, p.Ile1505Val (NM_001129827.2, NM_199460.4); c.4435A>G, p.Ile1479Val (NM_001129829.2); c.4369A>G, p.Ile1457Val (NM_001129830.3, NM_001129833.2, NM_001129834.2 and 7 more transcripts); c.4453A>G, p.Ile1485Val (NM_001129831.2); c.4429A>G, p.Ile1477Val (NM_001129832.2); c.4420A>G, p.Ile1474Val (NM_001129836.2); c.4336A>G, p.Ile1446Val (NM_001129837.2, NM_001129838.2, NM_001129846.2 and 1 more transcripts); c.4330A>G, p.Ile1444Val (NM_001129839.2); and 1 more; short protein forms I1474V, I1479V, I1454V, I1457V, I1485V, I1444V, I1446V, I1477V.
Identifiers: ClinVar variation 950244 (VCV000950244.6), dbSNP rs781315664, ClinGen allele CA6389534.
Genomic context (GRCh38, chr12:2,664,961, plus strand): 5'-CCCAGCAACAGCACGGAGGGTGAAACACCCTGTGGTAGCAGCTTTGCTGTCTTCTACTTC[A>G]TCAGCTTCTACATGCTCTGTGCCTTCCTGGTAAGCCAAGGGGGAACTCAACAGCCAGCAG-3'
Protein context (NP_000710.5, residues 1447-1467): CGSSFAVFYF[Ile1457Val]SFYMLCAFLI

ClinVar aggregate classification (germline): Uncertain significance (1 of 4 stars; one submission).

Conditions:
Long QT syndrome (LQTS). Identifiers: MedGen C0023976, MeSH D008133, MONDO:0002442. Disease mechanism: loss of function. Inheritance: Various modes of inheritance.

Allele frequency attached by ClinVar (database versions not stated): ExAC 0.00001; gnomAD exomes 0.00001.
gnomAD v4.1: 12 of 1,614,206 alleles (0.00074%); highest among the groups gnomAD compares: Admixed American, 0.0033%; no homozygotes.

Submission:

Labcorp Genetics (formerly Invitae), Labcorp
Classification: Uncertain significance for Long QT syndrome. Last evaluated: 2023-11-22. Review status: criteria provided, single submitter. Criteria: Invitae Variant Classification Sherloc (09022015). Collection method: clinical testing. Allele origin: germline.
Comment: This sequence change replaces isoleucine, which is neutral and non-polar, with valine, which is neutral and non-polar, at codon 1457 of the CACNA1C protein (p.Ile1457Val). This variant is present in population databases (rs781315664, gnomAD 0.003%). This variant has not been reported in the literature in individuals affected with CACNA1C-related conditions. ClinVar contains an entry for this variant (Variation ID: 950244). Advanced modeling of protein sequence and biophysical properties (such as structural, functional, and spatial information, amino acid conservation, physicochemical variation, residue mobility, and thermodynamic stability) performed at Invitae indicates that this missense variant is not expected to disrupt CACNA1C protein function with a negative predictive value of 80%. In summary, the available evidence is currently insufficient to determine the role of this variant in disease. Therefore, it has been classified as a Variant of Uncertain Significance.